The following is an entry in ClinVar:

ClinVar aggregate classification (germline): Pathogenic. Review status: criteria provided, multiple submitters, no conflicts (2 of 4 stars). 3 submissions from 3 submitters: Pathogenic (3). Last evaluated 2023-10-10.

Conditions:
Ataxia-telangiectasia syndrome (AT). Also called: Cerebello-oculocutaneous telangiectasia; Immunodeficiency with ataxia telangiectasia; Ataxia-telangiectasia, complementation group E; Ataxia-telangiectasia, complementation group D; AT, COMPLEMENTATION GROUP C; ATAXIA-TELANGIECTASIA, COMPLEMENTATION GROUP A. Identifiers: Orphanet 100, MedGen C0004135, MONDO:0008840, OMIM 208900.
Hereditary cancer-predisposing syndrome. Also called: Hereditary Cancer Syndrome; Neoplastic Syndromes, Hereditary; Hereditary neoplastic syndrome; Tumor predisposition. Identifiers: Orphanet 140162, MedGen C0027672, MeSH D009386, MONDO:0015356.

Submissions (3):

Color Diagnostics, LLC DBA Color Health
Classification: Pathogenic for Hereditary cancer-predisposing syndrome. Last evaluated: 2023-10-10. Review status: criteria provided, single submitter. Criteria: ACMG Guidelines, 2015. Collection method: clinical testing. Allele origin: germline.
Comment: This variant inserts 1 nucleotide in exon 3 of the ATM gene, creating a frameshift and premature translation stop signal. This variant is expected to result in an absent or non-functional protein product. To our knowledge, this variant has not been reported in individuals affected with ATM-related disorders in the literature. This variant has not been identified in the general population by the Genome Aggregation Database (gnomAD). Loss of ATM function is a known mechanism of disease. Based on the available evidence, this variant is classified as Pathogenic.

Labcorp Genetics (formerly Invitae), Labcorp
Classification: Pathogenic for Ataxia-telangiectasia syndrome. Last evaluated: 2023-04-04. Review status: criteria provided, single submitter. Criteria: Invitae Variant Classification Sherloc (09022015). Collection method: clinical testing. Allele origin: germline.
Comment: This sequence change creates a premature translational stop signal (p.His46Alafs*17) in the ATM gene. It is expected to result in an absent or disrupted protein product. Loss-of-function variants in ATM are known to be pathogenic (PMID: 23807571, 25614872). This variant is not present in population databases (gnomAD no frequency). This variant has not been reported in the literature in individuals affected with ATM-related conditions. ClinVar contains an entry for this variant (Variation ID: 819002). For these reasons, this variant has been classified as Pathogenic.

Ambry Genetics
Classification: Pathogenic for Hereditary cancer-predisposing syndrome. Last evaluated: 2019-08-30. Review status: criteria provided, single submitter. Criteria: Ambry Variant Classification Scheme 2023. Collection method: clinical testing. Allele origin: germline.
Comment: The c.135dupG pathogenic mutation, located in coding exon 2 of the ATM gene, results from a duplication of G at nucleotide position 135, causing a translational frameshift with a predicted alternate stop codon (p.H46Afs*17). This alteration is expected to result in loss of function by premature protein truncation or nonsense-mediated mRNA decay. As such, this alteration is interpreted as a disease-causing mutation.

Literature cited by the submitters: PubMed 23807571 (cited by Labcorp Genetics (formerly Invitae), Labcorp); PubMed 25614872 (cited by Labcorp Genetics (formerly Invitae), Labcorp).

NM_000051.4(ATM):c.135dup (p.His46fs)

Gene: ATM (ATM serine/threonine kinase; plus strand). Cytogenetic location: 11q22.3.
Variant type: Duplication.
Coding change: c.135dup on transcript NM_000051.4 (MANE Select); coding-DNA position 135, one base duplicated (G; older notation c.135dupG).
Protein change: p.His46fs; shifts the reading frame from histidine 46.
Molecular consequence: frameshift variant.
Genome position (GRCh38, 1-based): chr11:108,227,838, G duplicated; the last of 2 consecutive G bases (chr11:108,227,837-108,227,838); duplicating either gives the same sequence. VCF-style (leftmost placement, unchanged base first): chr11-108227836-C-CG. GRCh37 (hg19) VCF-style: chr11-108098563-C-CG.
Other names: c.135dup, p.His46fs (NM_001351834.2, NM_001351835.2, NM_001351836.2); short protein forms H46fs.
Identifiers: ClinVar variation 819002 (VCV000819002.9), dbSNP rs1591447147, ClinGen allele CA915947706.